The following is an entry in ClinVar:

ClinVar aggregate classification (germline): Uncertain significance (1 of 4 stars; one submission).

Submission:

Labcorp Genetics (formerly Invitae), Labcorp
Classification: Uncertain significance. Last evaluated: 2022-05-09. Review status: criteria provided, single submitter. Criteria: Invitae Variant Classification Sherloc (09022015). Collection method: clinical testing. Allele origin: germline.
Comment: In summary, the available evidence is currently insufficient to determine the role of this variant in disease. Therefore, it has been classified as a Variant of Uncertain Significance. This variant has not been reported in the literature in individuals affected with NDUFB3-related conditions. A gross deletion of the genomic region encompassing the full coding sequence of the NDUFB3 gene has been identified. The current clinical and genetic evidence is not sufficient to establish whether loss-of-function variants in NDUFB3 cause disease. The boundaries of this event are unknown as they extend beyond the assayed region for this gene and therefore may encompass additional genes.

NC_000002.11:g.(?_201943606)_(201950338_?)del

Gene: NDUFB3 (NADH:ubiquinone oxidoreductase subunit B3; plus strand). Cytogenetic location: 2q33.1.
Variant type: Deletion.
Identifiers: ClinVar variation 2424472 (VCV002424472.4).